The following is an entry in ClinVar:

NM_000038.6(APC):c.136-277T>G

Gene: APC (APC regulator of WNT signaling pathway; plus strand). Cytogenetic location: 5q22.2.
Variant type: single nucleotide variant.
Coding change: c.136-277T>G on transcript NM_000038.6 (MANE Select); 277 bases into the intron before coding-DNA position 136, T replaced by G.
Molecular consequence: intron variant.
Genome position (GRCh38, 1-based): chr5:112,766,049, T>G. VCF-style: chr5-112766049-T-G. GRCh37 (hg19) VCF-style: chr5-112101746-T-G.
Other names: c.136-277T>G (NM_001354895.2, NM_001127510.3, NM_001354896.2 and 2 more transcripts); c.166-277T>G (NM_001354897.2, NM_001354902.2, NM_001127511.3); c.61-277T>G (NM_001354898.2, NM_001354904.2); c.-900-277T>G (NM_001354906.2); c.-42-277T>G (NM_001354900.2, NM_001354901.2, NM_001354905.2).
Identifiers: ClinVar variation 82396 (VCV000082396.2), dbSNP rs78728577, ClinGen allele CA004623.
Genomic context (GRCh38, chr5:112,766,049, plus strand): 5'-GTAACTTGAGCAAGTCTCTGGGTCTCACTTGTTTTATCTGAAAAATGAGAATAATTTGCA[T>G]TGTTGGTTTTTAGGTTTGAAATAATGAATGTATCTTAAATGTGTTTCTAATACCTTGCAC-3'

ClinVar aggregate classification (germline): other (0 of 4 stars; one submission).

Conditions:
Familial colorectal cancer. Identifiers: MedGen CN280943, MONDO:0023113. Disease mechanism: loss of function.

Submission:

Systems Biology Platform Zhejiang California International NanoSystems Institute
Classification: other for Familial colorectal cancer. Review status: no assertion criteria provided. Collection method: not provided. Allele origin: unknown.
ClinVar note: Converted during submission from cancer to other.